The following is an entry in ClinVar:

ClinVar aggregate classification (germline): Uncertain significance (1 of 4 stars; one submission).

Conditions:
NRP1-related disorder. Also called: NRP1-related condition.

gnomAD v4.1: 50 of 1,613,986 alleles (0.0031%); highest among the groups gnomAD compares: Non-Finnish European, 0.0041%; no homozygotes.

Submission:

PreventionGenetics, part of Exact Sciences
Classification: Uncertain significance for NRP1-related condition. Last evaluated: 2025-12-31. Review status: criteria provided, single submitter. Criteria: ACMG Guidelines, 2015. Collection method: clinical testing. Allele origin: germline.
Comment: The NRP1 c.1426G>C variant is predicted to result in the amino acid substitution p.Ala476Pro. To our knowledge, this variant has not been reported in the literature. This variant is reported in 0.0053% of alleles in individuals of European (Non-Finnish) descent in gnomAD. At this time, the clinical significance of this variant is uncertain due to the absence of conclusive functional and genetic evidence.

NM_003873.7(NRP1):c.1426G>C (p.Ala476Pro)

Gene: NRP1 (neuropilin 1; minus strand). Cytogenetic location: 10p11.22.
Variant type: single nucleotide variant.
Coding change: c.1426G>C on transcript NM_003873.7 (MANE Select); coding-DNA position 1426, G replaced by C.
Protein change: p.Ala476Pro; replaces alanine 476 with proline.
Molecular consequence: missense variant. On other transcripts: non-coding transcript variant (1).
Genome position (GRCh38, 1-based): chr10:33,213,574, C>G on the plus strand (G>C on the coding strand, the complement: NRP1 is on the minus strand). VCF-style: chr10-33213574-C-G. GRCh37 (hg19) VCF-style: chr10-33502502-C-G.
Other names: c.1426G>C, p.Ala476Pro (NM_001024628.3, NM_001024629.3, NM_001244972.2 and 2 more transcripts); short protein forms A476P.
Identifiers: ClinVar variation 4986419 (VCV004986419.1).